The following is an entry in ClinVar:

ClinVar aggregate classification (germline): Likely pathogenic. Review status: criteria provided, multiple submitters, no conflicts (2 of 4 stars). 2 submissions from 2 submitters: Likely pathogenic (2). Last evaluated 2024-01-21.

Conditions:
Connective tissue disorder. Also called: Connective tissue disease. Identifiers: MedGen C0009782, MONDO:0003900.

Submissions (2):

Labcorp Genetics (formerly Invitae), Labcorp
Classification: Likely pathogenic. Last evaluated: 2024-01-21. Review status: criteria provided, single submitter. Criteria: Invitae Variant Classification Sherloc (09022015). Collection method: clinical testing. Allele origin: germline.
Comment: This sequence change replaces glycine, which is neutral and non-polar, with arginine, which is basic and polar, at codon 984 of the COL2A1 protein (p.Gly984Arg). This variant is not present in population databases (gnomAD no frequency). This missense change has been observed in individual(s) with clinical features of Achondrogenesis (PMID: 26443184). ClinVar contains an entry for this variant (Variation ID: 1702375). Advanced modeling of protein sequence and biophysical properties (such as structural, functional, and spatial information, amino acid conservation, physicochemical variation, residue mobility, and thermodynamic stability) performed at Invitae indicates that this missense variant is expected to disrupt COL2A1 protein function with a positive predictive value of 95%. This variant disrupts the triple helix domain of COL2A1. Glycine residues within the Gly-Xaa-Yaa repeats of the triple helix domain are required for the structure and stability of fibrillar collagens (PMID: 7695699, 8218237, 19344236). In COL2A1, variants affecting these glycine residues are significantly enriched in individuals with disease (PMID: 9016532, 17078022) compared to the general population (ExAC). In summary, the currently available evidence indicates that the variant is pathogenic, but additional data are needed to prove that conclusively. Therefore, this variant has been classified as Likely Pathogenic.

Genome Diagnostics Laboratory, The Hospital for Sick Children
Classification: Likely pathogenic for Connective tissue disorder. Last evaluated: 2021-08-03. Review status: criteria provided, single submitter. Criteria: ACMG Guidelines, 2015. Collection method: clinical testing. Allele origin: germline.

Literature cited by the submitters: PubMed 26443184 (cited by Labcorp Genetics (formerly Invitae), Labcorp); PubMed 7695699 (cited by Labcorp Genetics (formerly Invitae), Labcorp); PubMed 8218237 (cited by Labcorp Genetics (formerly Invitae), Labcorp); PubMed 19344236 (cited by Labcorp Genetics (formerly Invitae), Labcorp); PubMed 9016532 (cited by Labcorp Genetics (formerly Invitae), Labcorp); PubMed 17078022 (cited by Labcorp Genetics (formerly Invitae), Labcorp).

NM_001844.5(COL2A1):c.2950G>C (p.Gly984Arg)

Gene: COL2A1 (collagen type II alpha 1 chain; minus strand). Cytogenetic location: 12q13.11.
Variant type: single nucleotide variant.
Coding change: c.2950G>C on transcript NM_001844.5 (MANE Select); coding-DNA position 2950, G replaced by C.
Protein change: p.Gly984Arg; replaces glycine 984 with arginine.
Molecular consequence: missense variant.
Genome position (GRCh38, 1-based): chr12:47,978,344, C>G on the plus strand (G>C on the coding strand, the complement: COL2A1 is on the minus strand). VCF-style: chr12-47978344-C-G. GRCh37 (hg19) VCF-style: chr12-48372127-C-G.
Other names: c.2743G>C, p.Gly915Arg (NM_033150.3); short protein forms G915R, G984R.
Identifiers: ClinVar variation 1702375 (VCV001702375.5), dbSNP rs2136526413, ClinGen allele CA384541312.
Genomic context (GRCh38, chr12:47,978,344, plus strand): 5'-CACTCACCGACGGGCCAGGCAAGCCAGGGAATCCTCTCTCACCACGTTGCCCAGGCAGAC[C>G]GACGATGCCTCTCTGACCAGCCAGACCCTGGGGACCTGGTGGACCTTCGGCACCCTGAGA-3'
Protein context (NP_001835.3, residues 974-994): QGLAGQRGIV[Gly984Arg]LPGQRGERGF